The following is an entry in ClinVar:

ClinVar aggregate classification (germline): Uncertain significance. Review status: criteria provided, multiple submitters, no conflicts (2 of 4 stars). 4 submissions from 4 submitters: Uncertain significance (4). Last evaluated 2026-08-31.

Conditions:
Inborn genetic diseases. Identifiers: MedGen C0950123, MeSH D030342.
Sponastrime dysplasia. Also called: SPONDYLAR AND NASAL ALTERATIONS WITH STRIATED METAPHYSES. Identifiers: Orphanet 93357, MedGen C1300260, MONDO:0010068, OMIM 271510.

Allele frequency attached by ClinVar (database versions not stated): gnomAD exomes 0.00006 and 0.00007; gnomAD 0.00008 and 0.00009; TOPMed 0.00003; ExAC 0.00011.
gnomAD v4.1: 91 of 1,573,530 alleles (0.0058%); highest among the groups gnomAD compares: Middle Eastern, 0.02%; no homozygotes.

Submissions (4):

Institute of Medical Genetics and Applied Genomics, University Hospital Tübingen
Classification: Uncertain significance for Sponastrime dysplasia. Last evaluated: 2026-08-31. Review status: criteria provided, single submitter. Criteria: ACMG Guidelines, 2015. Collection method: clinical testing. Allele origin: germline. Inheritance: Autosomal recessive inheritance. Affected: yes.
Comment: compound heterozygous

Ambry Genetics
Classification: Uncertain significance for Inborn genetic diseases. Last evaluated: 2025-11-05. Review status: criteria provided, single submitter. Criteria: Ambry Variant Classification Scheme 2023. Collection method: clinical testing. Allele origin: germline.

Labcorp Genetics (formerly Invitae), Labcorp
Classification: Uncertain significance. Last evaluated: 2024-11-11. Review status: criteria provided, single submitter. Criteria: Invitae Variant Classification Sherloc (09022015). Collection method: clinical testing. Allele origin: germline.
Comment: This sequence change replaces alanine, which is neutral and non-polar, with valine, which is neutral and non-polar, at codon 964 of the TONSL protein (p.Ala964Val). This variant is present in population databases (rs778431357, gnomAD 0.05%). This variant has not been reported in the literature in individuals affected with TONSL-related conditions. ClinVar contains an entry for this variant (Variation ID: 1435174). Invitae Evidence Modeling of protein sequence and biophysical properties (such as structural, functional, and spatial information, amino acid conservation, physicochemical variation, residue mobility, and thermodynamic stability) indicates that this missense variant is expected to disrupt TONSL protein function with a positive predictive value of 80%. In summary, the available evidence is currently insufficient to determine the role of this variant in disease. Therefore, it has been classified as a Variant of Uncertain Significance.

Laboratory of Inherited Metabolic Diseases, Research centre for medical genetics
Classification: Uncertain significance for Sponastrime dysplasia. Last evaluated: 2022-04-01. Review status: criteria provided, single submitter. Criteria: ACMG Guidelines, 2015. Collection method: clinical testing. Allele origin: maternal. Affected: yes. Observed: 1 variant allele.

NM_013432.5(TONSL):c.2891C>T (p.Ala964Val)

Gene: TONSL (tonsoku like, DNA repair protein; minus strand). Cytogenetic location: 8q24.3.
Variant type: single nucleotide variant.
Coding change: c.2891C>T on transcript NM_013432.5 (MANE Select); coding-DNA position 2891, C replaced by T.
Protein change: p.Ala964Val; replaces alanine 964 with valine.
Molecular consequence: missense variant.
Genome position (GRCh38, 1-based): chr8:144,435,132, G>A on the plus strand (C>T on the coding strand, the complement: TONSL is on the minus strand). VCF-style: chr8-144435132-G-A. GRCh37 (hg19) VCF-style: chr8-145660515-G-A.
Other names: c.2891C>T (NM_013432.4); short protein forms A964V.
Identifiers: ClinVar variation 1435174 (VCV001435174.11), dbSNP rs778431357, ClinGen allele CA4942679.
Genomic context (GRCh38, chr8:144,435,132, plus strand): 5'-CCCTCTTTCCGTAGGGTGAGCCTGGGCAGCAGCCCGCAGGTCTGGTAGTAGCGCTGGGCC[G>A]CCTGCTCGGCCAGCCAGGCCACAGAGTGGGTGTCACTGCTGCAGGGACAGAGGCGCTGCT-3'
Protein context (NP_038460.4, residues 954-974): THSVAWLAEQ[Ala964Val]AQRYYQTCGL